The following is an entry in ClinVar:

ClinVar aggregate classification (germline): Likely benign (1 of 4 stars; one submission).

Allele frequency attached by ClinVar (database versions not stated): TOPMed below 0.00001; gnomAD 0.00001.
gnomAD v4.1: 1 of 1,613,944 alleles (0.000062%); highest among the groups gnomAD compares: Non-Finnish European, 0.000085%; no homozygotes.

Submission:

GeneDx
Classification: Likely benign. Last evaluated: 2018-04-27. Review status: criteria provided, single submitter. Criteria: GeneDx Variant Classification (06012015). Collection method: clinical testing. Allele origin: germline. Affected: yes.
Comment: This variant is considered likely benign or benign based on one or more of the following criteria: it is a conservative change, it occurs at a poorly conserved position in the protein, it is predicted to be benign by multiple in silico algorithms, and/or has population frequency not consistent with disease.

NM_006329.4(FBLN5):c.438T>C (p.Asn146=)

Gene: FBLN5 (fibulin 5; minus strand). Cytogenetic location: 14q32.12.
Variant type: single nucleotide variant.
Coding change: c.438T>C on transcript NM_006329.4 (MANE Select); coding-DNA position 438, T replaced by C.
Protein change: p.Asn146=; no amino-acid change (asparagine 146 retained).
Molecular consequence: synonymous variant.
Genome position (GRCh38, 1-based): chr14:91,895,014, A>G on the plus strand (T>C on the coding strand, the complement: FBLN5 is on the minus strand). VCF-style: chr14-91895014-A-G. GRCh37 (hg19) VCF-style: chr14-92361358-A-G.
Other names: c.561T>C, p.Asn187= (NM_001384158.1); c.489T>C, p.Asn163= (NM_001384159.1); c.438T>C, p.Asn146= (NM_001384160.1); c.270T>C, p.Asn90= (NM_001384161.1, NM_001384162.1).
Identifiers: ClinVar variation 682267 (VCV000682267.1), dbSNP rs1221011579, ClinGen allele CA487567806.